The following is an entry in ClinVar:

ClinVar aggregate classification (germline): Uncertain significance (1 of 4 stars; one submission).

Conditions:
KAT6B-related disorder. Also called: KAT6B-related disorders; KAT6B-related condition.

Allele frequency attached by ClinVar (database versions not stated): gnomAD exomes below 0.00001.
gnomAD v4.1: 4 of 1,614,050 alleles (0.00025%); highest among the groups gnomAD compares: Non-Finnish European, 0.00025%; no homozygotes.

Submission:

PreventionGenetics, part of Exact Sciences
Classification: Uncertain significance for KAT6B-related condition. Last evaluated: 2023-07-19. Review status: criteria provided, single submitter. Criteria: ACMG Guidelines, 2015. Collection method: clinical testing. Allele origin: germline.
Comment: The KAT6B c.1637G>A variant is predicted to result in the amino acid substitution p.Gly546Glu. To our knowledge, this variant has not been reported in the literature or in a large population database, indicating this variant is rare. At this time, the clinical significance of this variant is uncertain due to the absence of conclusive functional and genetic evidence.

NM_012330.4(KAT6B):c.1637G>A (p.Gly546Glu)

Gene: KAT6B (lysine acetyltransferase 6B; plus strand). Cytogenetic location: 10q22.2.
Variant type: single nucleotide variant.
Coding change: c.1637G>A on transcript NM_012330.4 (MANE Select); coding-DNA position 1637, G replaced by A.
Protein change: p.Gly546Glu; replaces glycine 546 with glutamic acid.
Molecular consequence: missense variant. On other transcripts: intron variant (13).
Genome position (GRCh38, 1-based): chr10:74,975,974, G>A. VCF-style: chr10-74975974-G-A. GRCh37 (hg19) VCF-style: chr10-76735732-G-A.
Other names: c.1637G>A, p.Gly546Glu (NM_001370136.1, NM_001370137.1); c.1117+520G>A (NM_001370139.1, NM_001370140.1, NM_001370141.1 and 3 more transcripts); c.1444+193G>A (NM_001370138.1, NM_001256468.2); c.846+6199G>A (NM_001370133.1); c.193-3250G>A (NM_001370134.1); c.929-1342G>A (NM_001370143.1, NM_001370144.1); c.193-13045G>A (NM_001370135.1); short protein forms G546E.
Identifiers: ClinVar variation 2632872 (VCV002632872.1), dbSNP rs2548955336, ClinGen allele CA377287491.